The following is an entry in ClinVar:

NM_001369369.1(FOXN1):c.832A>G (p.Ile278Val)

Gene: FOXN1 (forkhead box N1; plus strand). Cytogenetic location: 17q11.2.
Variant type: single nucleotide variant.
Coding change: c.832A>G on transcript NM_001369369.1 (MANE Select); coding-DNA position 832, A replaced by G.
Protein change: p.Ile278Val; replaces isoleucine 278 with valine.
Molecular consequence: missense variant.
Genome position (GRCh38, 1-based): chr17:28,530,750, A>G. VCF-style: chr17-28530750-A-G. GRCh37 (hg19) VCF-style: chr17-26857768-A-G.
Other names: c.832A>G, p.Ile278Val (NM_003593.3); short protein forms I278V.
Identifiers: ClinVar variation 640323 (VCV000640323.10), dbSNP rs113979879, ClinGen allele CA8459380.

ClinVar aggregate classification (germline): Uncertain significance. Review status: criteria provided, multiple submitters, no conflicts (2 of 4 stars). 5 submissions from 5 submitters: Uncertain significance (5). Last evaluated 2024-10-22.

Conditions:
T-cell immunodeficiency, congenital alopecia, and nail dystrophy. Also called: Congenital alopecia and nail dystrophy associated with severe functional T-cell immunodeficiency; Pignata Guarino syndrome. Identifiers: Orphanet 169095, MedGen C1866426, MONDO:0011132, OMIM 601705.
T-cell lymphopenia, infantile, with or without nail dystrophy, autosomal dominant. Identifiers: Orphanet 676039, MedGen C5394133, MONDO:0032928, OMIM 618806.
Inborn genetic diseases. Identifiers: MedGen C0950123, MeSH D030342.

Allele frequency attached by ClinVar (database versions not stated): gnomAD exomes 0.00013; ExAC 0.00014; gnomAD 0.00050 and 0.00055; TOPMed 0.00062; ESP Exome Variant Server 0.00092.
gnomAD v4.1: 145 of 1,504,096 alleles (0.0096%); highest among the groups gnomAD compares: African/African-American, 0.16%; no homozygotes.

Submissions (5):

Labcorp Genetics (formerly Invitae), Labcorp
Classification: Uncertain significance for T-cell immunodeficiency, congenital alopecia, and nail dystrophy. Last evaluated: 2024-10-22. Review status: criteria provided, single submitter. Criteria: Invitae Variant Classification Sherloc (09022015). Collection method: clinical testing. Allele origin: germline.
Comment: This sequence change replaces isoleucine, which is neutral and non-polar, with valine, which is neutral and non-polar, at codon 278 of the FOXN1 protein (p.Ile278Val). This variant is present in population databases (rs113979879, gnomAD 0.1%). This variant has not been reported in the literature in individuals affected with FOXN1-related conditions. ClinVar contains an entry for this variant (Variation ID: 640323). An algorithm developed to predict the effect of missense changes on protein structure and function (PolyPhen-2) suggests that this variant is likely to be disruptive. In summary, the available evidence is currently insufficient to determine the role of this variant in disease. Therefore, it has been classified as a Variant of Uncertain Significance.

Fulgent Genetics
Classification: Uncertain significance for T-cell immunodeficiency, congenital alopecia, and nail dystrophy; T-cell lymphopenia, infantile, with or without nail dystrophy, autosomal dominant. Last evaluated: 2021-12-23. Review status: criteria provided, single submitter. Criteria: ACMG Guidelines, 2015. Collection method: clinical testing. Allele origin: unknown.

Ambry Genetics
Classification: Uncertain significance for Inborn genetic diseases. Last evaluated: 2021-08-10. Review status: criteria provided, single submitter. Criteria: Ambry Variant Classification Scheme 2023. Collection method: clinical testing. Allele origin: germline.

Baylor Genetics
Classification: Uncertain significance for T-cell immunodeficiency, congenital alopecia, and nail dystrophy. Last evaluated: 2019-07-23. Review status: criteria provided, single submitter. Criteria: ACMG Guidelines, 2015. Collection method: clinical testing. Allele origin: unknown. Affected: yes.
Comment: This variant was determined to be of uncertain significance according to ACMG Guidelines, 2015 [PMID:25741868].

Breakthrough Genomics
Classification: Uncertain significance. Review status: criteria provided, single submitter. Criteria: ACMG Guidelines, 2015. Collection method: not provided. Allele origin: germline. Inheritance: Autosomal recessive inheritance. Affected: yes.